The following is an entry in ClinVar:

NM_004525.3(LRP2):c.428-6C>T

Gene: LRP2 (LDL receptor related protein 2; minus strand). Cytogenetic location: 2q31.1.
Variant type: single nucleotide variant.
Coding change: c.428-6C>T on transcript NM_004525.3 (MANE Select); 6 bases into the intron before coding-DNA position 428, C replaced by T.
Molecular consequence: intron variant.
Genome position (GRCh38, 1-based): chr2:169,294,716, G>A on the plus strand (C>T on the coding strand, the complement: LRP2 is on the minus strand). VCF-style: chr2-169294716-G-A. GRCh37 (hg19) VCF-style: chr2-170151226-G-A.
Identifiers: ClinVar variation 2310010 (VCV002310010.2), dbSNP rs776561587, ClinGen allele CA2580064475.

ClinVar aggregate classification (germline): Uncertain significance (1 of 4 stars; one submission).

Conditions:
Inborn genetic diseases. Identifiers: MedGen C0950123, MeSH D030342.

Submission:

Ambry Genetics
Classification: Uncertain significance for Inborn genetic diseases. Last evaluated: 2022-09-02. Review status: criteria provided, single submitter. Criteria: Ambry Variant Classification Scheme 2023. Collection method: clinical testing. Allele origin: germline.
Comment: The c.428-6C>T intronic alteration consists of a C to T substitution 6 nucleotides before exon 5 of the LRP2 gene. Based on insufficient or conflicting evidence, the clinical significance of this alteration remains unclear.